The following is an entry in ClinVar:

ClinVar aggregate classification (germline): Uncertain significance (1 of 4 stars; one submission).

Allele frequency attached by ClinVar (database versions not stated): TOPMed 0.00002; gnomAD 0.00003.
gnomAD v4.1: 10 of 1,577,864 alleles (0.00063%); highest among the groups gnomAD compares: Non-Finnish European, 0.00087%; no homozygotes.

Submission:

Labcorp Genetics (formerly Invitae), Labcorp
Classification: Uncertain significance. Last evaluated: 2023-11-27. Review status: criteria provided, single submitter. Criteria: Invitae Variant Classification Sherloc (09022015). Collection method: clinical testing. Allele origin: germline.
Comment: This sequence change replaces proline, which is neutral and non-polar, with serine, which is neutral and polar, at codon 1017 of the COL18A1 protein (p.Pro1017Ser). This variant is present in population databases (no rsID available, gnomAD 0.007%). This variant has not been reported in the literature in individuals affected with COL18A1-related conditions. ClinVar contains an entry for this variant (Variation ID: 1390831). Experimental studies and prediction algorithms are not available or were not evaluated, and the functional significance of this variant is currently unknown. In summary, the available evidence is currently insufficient to determine the role of this variant in disease. Therefore, it has been classified as a Variant of Uncertain Significance.

NM_001379500.1(COL18A1):c.3058C>T (p.Pro1020Ser)

Genes: COL18A1 (collagen type XVIII alpha 1 chain; plus strand), SLC19A1 (solute carrier family 19 member 1; minus strand). Cytogenetic location: 21q22.3.
Variant type: single nucleotide variant.
Coding change: c.3058C>T on transcript NM_001379500.1 (MANE Select); coding-DNA position 3058, C replaced by T.
Protein change: p.Pro1020Ser; replaces proline 1020 with serine.
Molecular consequence: missense variant.
Genome position (GRCh38, 1-based): chr21:45,505,402, C>T. VCF-style: chr21-45505402-C-T. GRCh37 (hg19) VCF-style: chr21-46925316-C-T.
Other names: c.3589C>T, p.Pro1197Ser (NM_030582.4); c.4294C>T, p.Pro1432Ser (NM_130444.3); short protein forms P1197S, P1432S, P1020S.
Identifiers: ClinVar variation 1390831 (VCV001390831.6), dbSNP rs1370299892, ClinGen allele CA410499750.